The following is an entry in ClinVar:

NM_006231.4(POLE):c.711del (p.Ile238fs)

Gene: POLE (DNA polymerase epsilon, catalytic subunit; minus strand). Cytogenetic location: 12q24.33.
Variant type: Deletion.
Coding change: c.711del on transcript NM_006231.4 (MANE Select); coding-DNA position 711, one base deleted (G; older notation c.711delG).
Protein change: p.Ile238fs; shifts the reading frame from isoleucine 238.
Molecular consequence: frameshift variant.
Genome position (GRCh38, 1-based): chr12:132,677,587, C deleted on the plus strand (G on the coding strand, the reverse complement: POLE is on the minus strand). VCF-style (leftmost placement, unchanged base first): chr12-132677586-TC-T. GRCh37 (hg19) VCF-style: chr12-133254172-TC-T.
Other names: short protein forms I238fs.
Identifiers: ClinVar variation 2856419 (VCV002856419.3), dbSNP rs2542178947, ClinGen allele CA2622061736.
Genomic context (GRCh38, chr12:132,677,586, plus strand): 5'-CCTGGCTGTTAGGAAATTCATGTGAGCAGCGACCCAACCCTGCCCCACTCACCACGTGGA[TC>T]TTCAGGTCAATGGAGAGGCGGATGTGGTAGGGAACATCGTACTCGCGCATGTCCACAATG-3'

ClinVar aggregate classification (germline): Pathogenic (1 of 4 stars; one submission).

Allele frequency attached by ClinVar (database versions not stated): gnomAD exomes below 0.00001.

Submission:

Labcorp Genetics (formerly Invitae), Labcorp
Classification: Pathogenic. Last evaluated: 2023-07-25. Review status: criteria provided, single submitter. Criteria: Invitae Variant Classification Sherloc (09022015). Collection method: clinical testing. Allele origin: germline.
Comment: For these reasons, this variant has been classified as Pathogenic. This variant has not been reported in the literature in individuals affected with POLE-related conditions. This variant is not present in population databases (gnomAD no frequency). This sequence change creates a premature translational stop signal (p.Ile238Serfs*18) in the POLE gene. It is expected to result in an absent or disrupted protein product. Loss-of-function variants in POLE are known to be pathogenic (PMID: 23230001, 25948378, 30503519).

Literature cited by the submitters: PubMed 23230001; PubMed 25948378; PubMed 30503519.